The following is an entry in ClinVar:

NM_004629.2(FANCG):c.48G>T (p.Trp16Cys)

Gene: FANCG (FA complementation group G; minus strand). Cytogenetic location: 9p13.3.
Variant type: single nucleotide variant.
Coding change: c.48G>T on transcript NM_004629.2 (MANE Select); coding-DNA position 48, G replaced by T.
Protein change: p.Trp16Cys; replaces tryptophan 16 with cysteine.
Molecular consequence: missense variant.
Genome position (GRCh38, 1-based): chr9:35,079,477, C>A on the plus strand (G>T on the coding strand, the complement: FANCG is on the minus strand). VCF-style: chr9-35079477-C-A. GRCh37 (hg19) VCF-style: chr9-35079474-C-A.
Other names: short protein forms W16C.
Identifiers: ClinVar variation 4022471 (VCV004022471.1).

ClinVar aggregate classification (germline): Uncertain significance (1 of 4 stars; one submission).

Conditions:
Inborn genetic diseases. Identifiers: MedGen C0950123, MeSH D030342.

Submission:

Ambry Genetics
Classification: Uncertain significance for Inborn genetic diseases. Last evaluated: 2025-04-01. Review status: criteria provided, single submitter. Criteria: Ambry Variant Classification Scheme 2023. Collection method: clinical testing. Allele origin: germline.
Comment: The p.W16C variant (also known as c.48G>T), located in coding exon 1 of the FANCG gene, results from a G to T substitution at nucleotide position 48. The tryptophan at codon 16 is replaced by cysteine, an amino acid with highly dissimilar properties. This amino acid position is conserved. In addition, this alteration is predicted to be deleterious by in silico analysis. Based on the available evidence, the clinical significance of this variant remains unclear.